The following is an entry in ClinVar:

ClinVar aggregate classification (germline): Likely benign (1 of 4 stars; one submission).

Conditions:
Short stature due to growth hormone secretagogue receptor deficiency (GHDP). Also called: Short stature due to GHSR deficiency. Identifiers: Orphanet 314811, MedGen C5887324, MONDO:0014403, OMIM 615925.

Allele frequency attached by ClinVar (database versions not stated): 1000 Genomes Project 0.00200; 1000 Genomes Project 30x 0.00234; gnomAD 0.00257 and 0.00272; TOPMed 0.00288.
gnomAD v4.1: 384 of 152,330 alleles (0.25%); highest among the groups gnomAD compares: African/African-American, 0.86%; 2 homozygotes.

Submission:

Illumina Laboratory Services, Illumina
Classification: Likely benign for Short stature due to growth hormone secretagogue receptor deficiency. Last evaluated: 2018-01-13. Review status: criteria provided, single submitter. Criteria: ICSL Variant Classification Criteria 13 December 2019. Collection method: clinical testing. Allele origin: germline.
Comment: This variant was observed in the ICSL laboratory as part of a predisposition screen in an ostensibly healthy population. It had not been previously curated by ICSL or reported in the Human Gene Mutation Database (HGMD: prior to June 1st, 2018), and was therefore a candidate for classification through an automated scoring system. Utilizing variant allele frequency, disease prevalence and penetrance estimates, and inheritance mode, an automated score was calculated to assess if this variant is too frequent to cause the disease. Based on the score and internal cut-off values, a variant classified as likely benign is not then subjected to further curation. The score for this variant resulted in a classification of likely benign for this disease.

NM_198407.2(GHSR):c.*813A>G

Gene: GHSR (growth hormone secretagogue receptor; minus strand). Cytogenetic location: 3q26.31.
Variant type: single nucleotide variant.
Coding change: c.*813A>G on transcript NM_198407.2 (MANE Select); 813 bases downstream of the stop codon, A replaced by G.
Molecular consequence: 3 prime UTR variant.
Genome position (GRCh38, 1-based): chr3:172,444,348, T>C on the plus strand (A>G on the coding strand, the complement: GHSR is on the minus strand). VCF-style: chr3-172444348-T-C. GRCh37 (hg19) VCF-style: chr3-172162138-T-C.
Identifiers: ClinVar variation 344188 (VCV000344188.5), dbSNP rs147683685, ClinGen allele CA10615312.